The following is an entry in ClinVar:

ClinVar aggregate classification (germline): Uncertain significance (1 of 4 stars; one submission).

Conditions:
Brachyolmia-amelogenesis imperfecta syndrome. Also called: PLATYSPONDYLY WITH AMELOGENESIS IMPERFECTA; Tooth agenesis, selective, 6; Dental anomalies and short stature. Identifiers: Orphanet 2899, MedGen C1832594, MONDO:0011018, OMIM 601216. Disease mechanism: loss of function.

Submission:

Labcorp Genetics (formerly Invitae), Labcorp
Classification: Uncertain significance for Brachyolmia-amelogenesis imperfecta syndrome. Last evaluated: 2024-02-18. Review status: criteria provided, single submitter. Criteria: Invitae Variant Classification Sherloc (09022015). Collection method: clinical testing. Allele origin: germline.
Comment: This sequence change replaces proline, which is neutral and non-polar, with arginine, which is basic and polar, at codon 1078 of the LTBP3 protein (p.Pro1078Arg). This variant is not present in population databases (gnomAD no frequency). This variant has not been reported in the literature in individuals affected with LTBP3-related conditions. An algorithm developed to predict the effect of missense changes on protein structure and function (PolyPhen-2) suggests that this variant is likely to be disruptive. In summary, the available evidence is currently insufficient to determine the role of this variant in disease. Therefore, it has been classified as a Variant of Uncertain Significance.

NM_001130144.3(LTBP3):c.3233C>G (p.Pro1078Arg)

Genes: LTBP3 (latent transforming growth factor beta binding protein 3; minus strand), LOC121832793 (Sharpr-MPRA regulatory region 4001; plus strand). Cytogenetic location: 11q13.1.
Variant type: single nucleotide variant.
Coding change: c.3233C>G on transcript NM_001130144.3 (MANE Select); coding-DNA position 3233, C replaced by G.
Protein change: p.Pro1078Arg; replaces proline 1078 with arginine.
Molecular consequence: missense variant.
Genome position (GRCh38, 1-based): chr11:65,540,256, G>C on the plus strand (C>G on the coding strand, the complement: LTBP3 is on the minus strand). VCF-style: chr11-65540256-G-C. GRCh37 (hg19) VCF-style: chr11-65307727-G-C.
Other names: c.2882C>G, p.Pro961Arg (NM_001164266.1); c.3233C>G, p.Pro1078Arg (NM_021070.4); short protein forms P1078R, P961R.
Identifiers: ClinVar variation 3685095 (VCV003685095.2).